The following is an entry in ClinVar:

NM_006031.6(PCNT):c.1085G>A (p.Arg362His)

Gene: PCNT (pericentrin; plus strand). Cytogenetic location: 21q22.3.
Variant type: single nucleotide variant.
Coding change: c.1085G>A on transcript NM_006031.6 (MANE Select); coding-DNA position 1085, G replaced by A.
Protein change: p.Arg362His; replaces arginine 362 with histidine.
Molecular consequence: missense variant.
Genome position (GRCh38, 1-based): chr21:46,349,064, G>A. VCF-style: chr21-46349064-G-A. GRCh37 (hg19) VCF-style: chr21-47768978-G-A.
Other names: c.731G>A, p.Arg244His (NM_001315529.2); short protein forms R244H, R362H.
Identifiers: ClinVar variation 3353578 (VCV003353578.2).

ClinVar aggregate classification (germline): Uncertain significance. Review status: criteria provided, single submitter (1 of 4 stars). 2 submissions from 2 submitters: Uncertain significance (1). 1 of the submissions does not count toward it. Last evaluated 2026-01-07.

Conditions:
PCNT-related disorder. Also called: PCNT-related condition.

Submissions (2):

Women's Health and Genetics/Laboratory Corporation of America, LabCorp
Classification: Uncertain significance. Last evaluated: 2026-01-07. Review status: criteria provided, single submitter. Criteria: LabCorp Variant Classification Summary - May 2015. Collection method: clinical testing. Allele origin: germline.
Comment: Variant summary: PCNT c.1085G>A (p.Arg362His) results in a non-conservative amino acid change in the encoded protein sequence. Algorithms developed to predict the effect of missense changes on protein structure and function are either unavailable or do not agree on the potential impact of this missense change. The variant allele was found at a frequency of 8e-06 in 251274 control chromosomes. The available data on variant occurrences in the general population are insufficient to allow any conclusion about variant significance. To our knowledge, no occurrence of c.1085G>A in individuals affected with PCNT-related conditions and no experimental evidence demonstrating its impact on protein function have been reported. ClinVar contains an entry for this variant (Variation ID: 3353578). Based on the evidence outlined above, the variant was classified as uncertain significance.

PreventionGenetics, part of Exact Sciences
Classification: Uncertain significance for PCNT-related condition. Last evaluated: 2024-02-05. Review status: no assertion criteria provided. Collection method: clinical testing. Allele origin: germline. Not counted in ClinVar's aggregate classification.
Comment: The PCNT c.1085G>A variant is predicted to result in the amino acid substitution p.Arg362His. To our knowledge, this variant has not been reported in the literature. This variant is reported in 0.0033% of alleles in individuals of South Asian descent in gnomAD. At this time, the clinical significance of this variant is uncertain due to the absence of conclusive functional and genetic evidence.